The following is an entry in ClinVar:

ClinVar aggregate classification (germline): Uncertain significance (1 of 4 stars; one submission).

Conditions:
Emery-Dreifuss muscular dystrophy 4, autosomal dominant (EDMD4). Also called: EMERY-DREIFUSS MUSCULAR DYSTROPHY 4 WITH VARIABLE FEATURES. Identifiers: Orphanet 261, MedGen C2751807, MONDO:0013071, OMIM 612998.
Autosomal recessive ataxia, Beauce type. Also called: SYNE1 Deficiency; Spinocerebellar ataxia, autosomal recessive 8; ATAXIA, RECESSIVE, OF BEAUCE; SYNE1-Related Autosomal Recessive Cerebellar Ataxia. Identifiers: Orphanet 88644, MedGen C1853116, MONDO:0012549, OMIM 610743.

Allele frequency attached by ClinVar (database versions not stated): gnomAD 0.00001.
gnomAD v4.1: 1 of 1,612,652 alleles (0.000062%); highest among the groups gnomAD compares: Admixed American, 0.0017%; no homozygotes.

Submission:

Labcorp Genetics (formerly Invitae), Labcorp
Classification: Uncertain significance for Emery-Dreifuss muscular dystrophy 4, autosomal dominant; Autosomal recessive ataxia, Beauce type. Last evaluated: 2022-05-27. Review status: criteria provided, single submitter. Criteria: Invitae Variant Classification Sherloc (09022015). Collection method: clinical testing. Allele origin: germline.
Comment: This sequence change replaces glutamic acid, which is acidic and polar, with lysine, which is basic and polar, at codon 366 of the SYNE1 protein (p.Glu366Lys). This variant is not present in population databases (gnomAD no frequency). This variant has not been reported in the literature in individuals affected with SYNE1-related conditions. Algorithms developed to predict the effect of missense changes on protein structure and function are either unavailable or do not agree on the potential impact of this missense change (SIFT: "Deleterious"; PolyPhen-2: "Possibly Damaging"; Align-GVGD: "Class C0"). In summary, the available evidence is currently insufficient to determine the role of this variant in disease. Therefore, it has been classified as a Variant of Uncertain Significance.

NM_182961.4(SYNE1):c.1075G>A (p.Glu359Lys)

Gene: SYNE1 (spectrin repeat containing nuclear envelope protein 1; minus strand). Cytogenetic location: 6q25.2.
Variant type: single nucleotide variant.
Coding change: c.1075G>A on transcript NM_182961.4 (MANE Select); coding-DNA position 1075, G replaced by A.
Protein change: p.Glu359Lys; replaces glutamic acid 359 with lysine.
Molecular consequence: missense variant.
Genome position (GRCh38, 1-based): chr6:152,484,945, C>T on the plus strand (G>A on the coding strand, the complement: SYNE1 is on the minus strand). VCF-style: chr6-152484945-C-T. GRCh37 (hg19) VCF-style: chr6-152806080-C-T.
Other names: c.1096G>A, p.Glu366Lys (NM_033071.5); short protein forms E359K, E366K.
Identifiers: ClinVar variation 2051693 (VCV002051693.4), dbSNP rs2098931445, ClinGen allele CA366142368.
Genomic context (GRCh38, chr6:152,484,945, plus strand): 5'-ACAATTTACCGTCTCTGTGTAATGGTTGTATTAAATGTTCAATCTGTTTCCTCTTCATTT[C>T]ATATTGAACTCTGAAGTGCTTAAATGACTAAAAGAGGAAAAACAGCAACAGTATGGCAAT-3'
Protein context (NP_892006.3, residues 349-369): QSFKHFRVQY[Glu359Lys]MKRKQIEHLI